The following is an entry in ClinVar:

NM_006846.4(SPINK5):c.1820+53G>A

Gene: SPINK5 (serine peptidase inhibitor Kazal type 5; plus strand). Cytogenetic location: 5q32.
Variant type: single nucleotide variant.
Coding change: c.1820+53G>A on transcript NM_006846.4 (MANE Select); 53 bases into the intron after coding-DNA position 1820, G replaced by A.
Molecular consequence: intron variant.
Genome position (GRCh38, 1-based): chr5:148,111,948, G>A. VCF-style: chr5-148111948-G-A. GRCh37 (hg19) VCF-style: chr5-147491511-G-A.
Other names: c.1820+53G>A (NM_001127698.2, NM_001127699.2).
Identifiers: ClinVar variation 1417211 (VCV001417211.8), dbSNP rs754599628, ClinGen allele CA128930289.

ClinVar aggregate classification (germline): Uncertain significance. Review status: criteria provided, multiple submitters, no conflicts (2 of 4 stars). 3 submissions from 3 submitters: Uncertain significance (3). Last evaluated 2024-08-16.

Conditions:
Netherton syndrome (NETH). Also called: NETHERTON DISEASE; ERYTHRODERMA, ICHTHYOSIFORM, WITH HYPOTRICHOSIS AND HYPER-IgE; COMEL-NETHERTON SYNDROME. Identifiers: Orphanet 634, MedGen C5574950, MONDO:0009735, OMIM 256500.

Allele frequency attached by ClinVar (database versions not stated): gnomAD 0.00001 and 0.00002; TOPMed 0.00002; gnomAD exomes 0.00003.
gnomAD v4.1: 47 of 1,613,174 alleles (0.0029%); highest among the groups gnomAD compares: Non-Finnish European, 0.0037%; no homozygotes.

Submissions (3):

3billion
Classification: Uncertain significance for Netherton syndrome. Last evaluated: 2024-08-16. Review status: criteria provided, single submitter. Criteria: ACMG Guidelines, 2015. Collection method: clinical testing. Allele origin: germline. Affected: yes.
Comment: The variant is observed at an extremely low frequency in the gnomAD v4.0.0 dataset (total allele frequency: 0.003%). Predicted Consequence/Location: Intron variant In silico tools predict the variant to alter splicing and produce an abnormal transcript [SpliceAI: 0.73 (>=0.2, moderate evidence for spliceogenicity)]. The variant has been reported to be associated with SPINK5 related disorder (PMID: 22089833). However, the evidence of pathogenicity is insufficient at this time. Therefore, this variant is classified as VUS according to the recommendation of ACMG/AMP guideline.

Women's Health and Genetics/Laboratory Corporation of America, LabCorp
Classification: Uncertain significance. Last evaluated: 2024-03-18. Review status: criteria provided, single submitter. Criteria: LabCorp Variant Classification Summary - May 2015. Collection method: clinical testing. Allele origin: germline.
Comment: Variant summary: SPINK5 c.1820+53G>A is located at a position not widely known to affect splicing. Consensus agreement among computation tools predict no significant impact on normal splicing. At least one publication reports experimental evidence that this variant affects mRNA splicing and leads to a leaky variant that is not sufficient to prevent disease (Lacroix_2012). The variant was absent in 249032 control chromosomes (gnomAD). c.1820+53G>A has been reported in the literature in at-least one individual affected with Netherton syndrome (Lacroix_2012). The following publication has been ascertained in the context of this evaluation (PMID: 22089833). ClinVar contains an entry for this variant (Variation ID: 1417211). Based on the evidence outlined above, the variant was classified as VUS-possibly pathogenic.

Labcorp Genetics (formerly Invitae), Labcorp
Classification: Uncertain significance for Ichthyosis linearis circumflexa. Last evaluated: 2022-02-04. Review status: criteria provided, single submitter. Criteria: Invitae Variant Classification Sherloc (09022015). Collection method: clinical testing. Allele origin: germline.
Comment: This sequence change falls in intron 19 of the SPINK5 gene. It does not directly change the encoded amino acid sequence of the SPINK5 protein. This variant is not present in population databases (gnomAD no frequency). This variant has been observed in individual(s) with Netherton syndrome (PMID: 22089833). Studies have shown that this variant is associated with altered splicing, but the impact on the resulting protein product is unknown (PMID: 22089833). In summary, the available evidence is currently insufficient to determine the role of this variant in disease. Therefore, it has been classified as a Variant of Uncertain Significance.

Literature cited by the submitters: PubMed 22089833 (cited by 3 submitters).